The following is an entry in ClinVar:

NM_003924.4(PHOX2B):c.706C>G (p.Pro236Ala)

Gene: PHOX2B (paired like homeobox 2B; minus strand). Cytogenetic location: 4p13.
Variant type: single nucleotide variant.
Coding change: c.706C>G on transcript NM_003924.4 (MANE Select); coding-DNA position 706, C replaced by G.
Protein change: p.Pro236Ala; replaces proline 236 with alanine.
Molecular consequence: missense variant.
Genome position (GRCh38, 1-based): chr4:41,746,046, G>C on the plus strand (C>G on the coding strand, the complement: PHOX2B is on the minus strand). VCF-style: chr4-41746046-G-C. GRCh37 (hg19) VCF-style: chr4-41748063-G-C.
Other names: short protein forms P236A.
Identifiers: ClinVar variation 4136086 (VCV004136086.1).

ClinVar aggregate classification (germline): Uncertain significance (1 of 4 stars; one submission).

Conditions:
Hereditary cancer-predisposing syndrome. Also called: Hereditary neoplastic syndrome; Neoplastic Syndromes, Hereditary; Tumor predisposition; Hereditary Cancer Syndrome. Identifiers: Orphanet 140162, MedGen C0027672, MeSH D009386, MONDO:0015356.

Submission:

Ambry Genetics
Classification: Uncertain significance for Hereditary cancer-predisposing syndrome. Last evaluated: 2025-07-28. Review status: criteria provided, single submitter. Criteria: Ambry Variant Classification Scheme 2023. Collection method: clinical testing. Allele origin: germline.
Comment: The p.P236A variant (also known as c.706C>G), located in coding exon 3 of the PHOX2B gene, results from a C to G substitution at nucleotide position 706. The proline at codon 236 is replaced by alanine, an amino acid with highly similar properties. This amino acid position is conserved. In addition, this alteration is predicted to be tolerated by in silico analysis. Based on the available evidence, the clinical significance of this variant remains unclear.